The following is an entry in ClinVar:

NM_020800.3(IFT80):c.1066del (p.Tyr356fs)

Genes: IFT80 (intraflagellar transport 80; minus strand), TRIM59-IFT80 (TRIM59-IFT80 readthrough (NMD candidate); minus strand). Cytogenetic location: 3q25.33.
Variant type: Deletion.
Coding change: c.1066del on transcript NM_020800.3 (MANE Select); coding-DNA position 1066, one base deleted (T; older notation c.1066delT).
Protein change: p.Tyr356fs; shifts the reading frame from tyrosine 356.
Molecular consequence: frameshift variant. On other transcripts: non-coding transcript variant (3).
Genome position (GRCh38, 1-based): chr3:160,307,673, A deleted on the plus strand (T on the coding strand, the reverse complement: IFT80 is on the minus strand); the first of 2 consecutive A bases (chr3:160,307,673-160,307,674); deleting either gives the same sequence. VCF-style (leftmost placement, unchanged base first): chr3-160307672-TA-T. GRCh37 (hg19) VCF-style: chr3-160025460-TA-T.
Other names: c.655del, p.Tyr219fs (NM_001190241.2, NM_001190242.2); short protein forms Y219fs, Y356fs.
Identifiers: ClinVar variation 1453983 (VCV001453983.6), dbSNP rs1386720978, ClinGen allele CA547382756.

ClinVar aggregate classification (germline): Pathogenic (1 of 4 stars; one submission).

Conditions:
Jeune thoracic dystrophy. Also called: Short-rib thoracic dysplasia; Jeune syndrome; Infantile thoracic dystrophy; Thoracic pelvic phalangeal dystrophy; Jeune's syndrome; Chondroectodermal dysplasia-like syndrome. Identifiers: Orphanet 474, MedGen C0265275, MONDO:0018770.

Submission:

Labcorp Genetics (formerly Invitae), Labcorp
Classification: Pathogenic for Jeune thoracic dystrophy. Last evaluated: 2021-07-24. Review status: criteria provided, single submitter. Criteria: Invitae Variant Classification Sherloc (09022015). Collection method: clinical testing. Allele origin: germline.
Comment: For these reasons, this variant has been classified as Pathogenic. This variant has not been reported in the literature in individuals affected with IFT80-related conditions. This variant is not present in population databases (ExAC no frequency). This sequence change creates a premature translational stop signal (p.Tyr356Thrfs*23) in the IFT80 gene. It is expected to result in an absent or disrupted protein product. Loss-of-function variants in IFT80 are known to be pathogenic (PMID: 21227999, 23339108, 29068549).

Literature cited by the submitters: PubMed 21227999; PubMed 23339108; PubMed 29068549.